The following is an entry in ClinVar:

ClinVar aggregate classification (germline): Uncertain significance. Review status: criteria provided, multiple submitters, no conflicts (2 of 4 stars). 4 submissions from 4 submitters: Uncertain significance (3). 1 of the submissions does not count toward it. Last evaluated 2025-04-09.

Conditions:
CFTR-related disorder (CFTR-RD). Also called: CFTR-related disorders; CFTR-related condition. Identifiers: MedGen C5924204, MONDO:7770004.
Cystic fibrosis (CF). Also called: MUCOVISCIDOSIS. Identifiers: Orphanet 586, MedGen C0010674, MONDO:0009061, OMIM 219700. Disease mechanism: loss of function.

Submissions (4):

Ambry Genetics
Classification: Uncertain significance for Cystic fibrosis. Last evaluated: 2025-04-09. Review status: criteria provided, single submitter. Criteria: Ambry Variant Classification Scheme 2023. Collection method: clinical testing. Allele origin: germline.
Comment: The p.G921E variant (also known as c.2762G>A), located in coding exon 17 of the CFTR gene, results from a G to A substitution at nucleotide position 2762. The glycine at codon 921 is replaced by glutamic acid, an amino acid with similar properties. An individual diagnosed with cystic fibrosis was reported to be heterozygous for this variant, in addition to the p.F508del pathogenic mutation and three other variants of unknown significance (p.R74W, p.P798, and p.D1270N). The phase (cis vs trans) of these alterations was not determined (Sharma G, Pediatr. Pulmonol. 2013 Mar; 48(3):236-44). In an assay testing CFTR function, this variant showed a functionally abnormal result (Bihler H et al. J Cyst Fibros, 2024 Jul;23:664-675). This amino acid position is not well conserved in available vertebrate species. In addition, this alteration is predicted to be deleterious by in silico analysis. Based on the available evidence, the clinical significance of this variant remains unclear.

GeneDx
Classification: Uncertain significance. Last evaluated: 2023-07-17. Review status: criteria provided, single submitter. Criteria: GeneDx Variant Classification Process June 2021. Collection method: clinical testing. Allele origin: germline. Affected: yes.
Comment: Identified in a patient with cystic fibrosis in published literature; however, this individual also harbored several other CFTR variants of unknown phase (Sharma et al., 2013); Not observed at significant frequency in large population cohorts (gnomAD); In silico analysis supports that this missense variant has a deleterious effect on protein structure/function; This variant is associated with the following publications: (PMID: 30019023, 28186126, 22550062)

Women's Health and Genetics/Laboratory Corporation of America, LabCorp
Classification: Uncertain significance for Cystic Fibrosis. Last evaluated: 2011-08-18. Review status: criteria provided, single submitter. Criteria: LabCorp Variant Classification Summary - May 2015. Collection method: curation, clinical testing. Allele origin: germline. Inheritance: autosomal unknown. Affected: yes. Observed: 1 variant allele.
ClinVar note: Converted during submission from uncertain to Uncertain significance.

Natera, Inc.
Classification: Uncertain significance for CFTR-related disorders. Last evaluated: 2019-01-07. Review status: no assertion criteria provided. Collection method: clinical testing. Allele origin: germline. Not counted in ClinVar's aggregate classification.

Literature cited by the submitters: PubMed 38388235 (cited by Ambry Genetics).

NM_000492.4(CFTR):c.2762G>A (p.Gly921Glu)

Gene: CFTR (CF transmembrane conductance regulator; plus strand). Cytogenetic location: 7q31.2.
Variant type: single nucleotide variant.
Coding change: c.2762G>A on transcript NM_000492.4 (MANE Select); coding-DNA position 2762, G replaced by A.
Protein change: p.Gly921Glu; replaces glycine 921 with glutamic acid.
Molecular consequence: missense variant.
Genome position (GRCh38, 1-based): chr7:117,603,636, G>A. VCF-style: chr7-117603636-G-A. GRCh37 (hg19) VCF-style: chr7-117243690-G-A.
Other names: short protein forms G921E.
Identifiers: ClinVar variation 35847 (VCV000035847.8), dbSNP rs193922508, ClinGen allele CA260220.